The following is an entry in ClinVar:

ClinVar aggregate classification (germline): Uncertain significance (1 of 4 stars; one submission).

Conditions:
Colorectal cancer, susceptibility to, 12 (CRCS12). Also called: COLORECTAL CANCER, SUSCEPTIBILITY TO, ON CHROMOSOME 12q24. Identifiers: Orphanet 220460, MedGen C3554460, MONDO:0014038, OMIM 615083.

Allele frequency attached by ClinVar (database versions not stated): TOPMed below 0.00001; gnomAD 0.00001.
gnomAD v4.1: 1 of 1,610,564 alleles (0.000062%); highest among the groups gnomAD compares: Non-Finnish European, 0.000085%; no homozygotes.

Submission:

Labcorp Genetics (formerly Invitae), Labcorp
Classification: Uncertain significance for Colorectal cancer, susceptibility to, 12. Last evaluated: 2022-01-03. Review status: criteria provided, single submitter. Criteria: Invitae Variant Classification Sherloc (09022015). Collection method: clinical testing. Allele origin: germline.
Comment: This sequence change falls in intron 31 of the POLE gene. It does not directly change the encoded amino acid sequence of the POLE protein. It affects a nucleotide within the consensus splice site. This variant is not present in population databases (gnomAD no frequency). This variant has not been reported in the literature in individuals affected with POLE-related conditions. ClinVar contains an entry for this variant (Variation ID: 661377). Variants that disrupt the consensus splice site are a relatively common cause of aberrant splicing (PMID: 17576681, 9536098). Algorithms developed to predict the effect of sequence changes on RNA splicing suggest that this variant is not likely to affect RNA splicing. In summary, the available evidence is currently insufficient to determine the role of this variant in disease. Therefore, it has been classified as a Variant of Uncertain Significance.

Literature cited by the submitters: PubMed 17576681; PubMed 9536098.

NM_006231.4(POLE):c.4006-3C>T

Gene: POLE (DNA polymerase epsilon, catalytic subunit; minus strand). Cytogenetic location: 12q24.33.
Variant type: single nucleotide variant.
Coding change: c.4006-3C>T on transcript NM_006231.4 (MANE Select); 3 bases into the intron before coding-DNA position 4006, C replaced by T.
Molecular consequence: intron variant.
Genome position (GRCh38, 1-based): chr12:132,649,075, G>A on the plus strand (C>T on the coding strand, the complement: POLE is on the minus strand). VCF-style: chr12-132649075-G-A. GRCh37 (hg19) VCF-style: chr12-133225661-G-A.
Identifiers: ClinVar variation 661377 (VCV000661377.7), dbSNP rs1593748957, ClinGen allele CA915946826.